The following is an entry in ClinVar:

ClinVar aggregate classification (germline): Uncertain significance (1 of 4 stars; one submission).

gnomAD v4.1: 21 of 1,613,634 alleles (0.0013%); highest among the groups gnomAD compares: Admixed American, 0.0033%; no homozygotes.

Submission:

Women's Health and Genetics/Laboratory Corporation of America, LabCorp
Classification: Uncertain significance. Last evaluated: 2024-05-06. Review status: criteria provided, single submitter. Criteria: LabCorp Variant Classification Summary - May 2015. Collection method: clinical testing. Allele origin: germline.
Comment: Variant summary: FBXW7 c.311A>G (p.His104Arg) results in a non-conservative amino acid change in the encoded protein sequence. Four of five in-silico tools predict a benign effect of the variant on protein function. The variant allele was found at a frequency of 1.2e-05 in 250340 control chromosomes. The available data on variant occurrences in the general population are insufficient to allow any conclusion about variant significance. To our knowledge, no occurrence of c.311A>G in individuals affected with Developmental Delay, Hypotonia, And Impaired Language and no experimental evidence demonstrating its impact on protein function have been reported. No submitters have cited clinical-significance assessments for this variant to ClinVar. Based on the evidence outlined above, the variant was classified as uncertain significance.

NM_001349798.2(FBXW7):c.311A>G (p.His104Arg)

Gene: FBXW7 (F-box and WD repeat domain containing 7; minus strand). Cytogenetic location: 4q31.3.
Variant type: single nucleotide variant.
Coding change: c.311A>G on transcript NM_001349798.2 (MANE Select); coding-DNA position 311, A replaced by G.
Protein change: p.His104Arg; replaces histidine 104 with arginine.
Molecular consequence: missense variant.
Genome position (GRCh38, 1-based): chr4:152,411,493, T>C on the plus strand (A>G on the coding strand, the complement: FBXW7 is on the minus strand). VCF-style: chr4-152411493-T-C. GRCh37 (hg19) VCF-style: chr4-153332645-T-C.
Other names: c.311A>G, p.His104Arg (NM_001257069.1, NM_033632.3); short protein forms H104R.
Identifiers: ClinVar variation 3336158 (VCV003336158.1).
Genomic context (GRCh38, chr4:152,411,493, plus strand): 5'-TCGTCACTCTCCTGGTCCATCTCCTCCTCCTCCTCATCCTCCTCATCTTGTTCACCAGCA[T>C]GTTCTTCATCTTCCTCTTGTTCTTCTTGGTTTCCTGAGGAGTCCTCATCTACCGAAATAA-3'
Protein context (NP_001336727.1, residues 94-114): NQEEQEEDEE[His104Arg]AGEQDEEDEE